The following is an entry in ClinVar:

NM_000543.5(SMPD1):c.1624C>T (p.Arg542Ter)

Gene: SMPD1 (sphingomyelin phosphodiesterase 1; plus strand). Cytogenetic location: 11p15.4.
Variant type: single nucleotide variant.
Coding change: c.1624C>T on transcript NM_000543.5 (MANE Select); coding-DNA position 1624, C replaced by T.
Protein change: p.Arg542Ter; replaces arginine 542 with a stop codon.
Molecular consequence: nonsense. On other transcripts: 3 prime UTR variant (1), non-coding transcript variant (2).
Genome position (GRCh38, 1-based): chr11:6,394,335, C>T. VCF-style: chr11-6394335-C-T. GRCh37 (hg19) VCF-style: chr11-6415565-C-T.
Other names: c.1621C>T, p.Arg541Ter (NM_001007593.3); c.*117C>T (NM_001318087.2); c.703C>T, p.Arg235Ter (NM_001318088.2); c.1492C>T, p.Arg498Ter (NM_001365135.2); short protein forms R542*, R235*, R498*, R541*.
Identifiers: ClinVar variation 93318 (VCV000093318.41), dbSNP rs398123478, ClinGen allele CA221151.

ClinVar aggregate classification (germline): Pathogenic. Review status: criteria provided, multiple submitters, no conflicts (2 of 4 stars). 22 submissions from 18 submitters: Pathogenic (19). 3 of the submissions do not count toward it. Last evaluated 2026-01-19.

Conditions:
Acid sphingomyelinase deficiency. Identifiers: Orphanet 618899, MedGen C5243927, MONDO:0100464.
SMPD1-related disorder. Also called: SMPD1-related condition.
Niemann-Pick disease, type A. Also called: SPHINGOMYELIN LIPIDOSIS; SPHINGOMYELINASE DEFICIENCY; Infantile Neurovisceral ASMD (Niemann-Pick Disease Type A; NPD-A). Identifiers: Orphanet 77292, MedGen C0268242, MONDO:0009756, OMIM 257200. Disease mechanism: loss of function.
Niemann-Pick disease, type B. Also called: Chronic Visceral ASMD (Niemann-Pick Disease Type B; NPD-B). Identifiers: Orphanet 77293, MedGen C0268243, MONDO:0011871, OMIM 607616. Disease mechanism: loss of function.
Sphingomyelin/cholesterol lipidosis. Also called: Niemann-Pick disease. Identifiers: MedGen C0028064, MONDO:0001982.
Niemann-Pick disease, type C1. Also called: NIEMANN-PICK DISEASE, VARIANT TYPE C1; NEUROVISCERAL STORAGE DISEASE WITH VERTICAL SUPRANUCLEAR OPHTHALMOPLEGIA; NIEMANN-PICK DISEASE WITH CHOLESTEROL ESTERIFICATION BLOCK; NIEMANN-PICK DISEASE WITHOUT SPHINGOMYELINASE DEFICIENCY; NIEMANN-PICK DISEASE, CHRONIC NEURONOPATHIC FORM. Identifiers: Orphanet 646, MedGen C3179455, MONDO:0009757, OMIM 257220.

Allele frequency attached by ClinVar (database versions not stated): gnomAD below 0.00001 and 0.00001; gnomAD exomes 0.00002 and 0.00006; ExAC 0.00007.
gnomAD v4.1: 37 of 1,614,218 alleles (0.0023%); highest among the groups gnomAD compares: South Asian, 0.036%; no homozygotes.

Submissions 1 to 9 of 22:

Labcorp Genetics (formerly Invitae), Labcorp
Classification: Pathogenic for Niemann-Pick disease, type B; Niemann-Pick disease, type A. Last evaluated: 2026-01-19. Review status: criteria provided, single submitter. Criteria: Invitae Variant Classification Sherloc (09022015). Collection method: clinical testing. Allele origin: germline.
Comment: This sequence change creates a premature translational stop signal (p.Arg542*) in the SMPD1 gene. While this is not anticipated to result in nonsense mediated decay, it is expected to disrupt the last 90 amino acid(s) of the SMPD1 protein. This variant is present in population databases (rs398123478, gnomAD 0.05%). This premature translational stop signal has been observed in individual(s) with Niemann-Pick disease (PMID: 22796693, 23188845, 27338287; internal data). In at least one individual the data is consistent with being in trans (on the opposite chromosome) from a pathogenic variant. ClinVar contains an entry for this variant (Variation ID: 93318). Experimental studies and prediction algorithms are not available or were not evaluated, and the functional significance of this variant is currently unknown. For these reasons, this variant has been classified as Pathogenic.

Victorian Clinical Genetics Services, Murdoch Childrens Research Institute
Classification: Pathogenic for Acid sphingomyelinase deficiency. Last evaluated: 2025-12-18. Review status: criteria provided, single submitter. Criteria: ACMG Guidelines, 2015. Collection method: clinical testing. Allele origin: germline.
Comment: This variant is classified as Pathogenic. Evidence in support of pathogenic classification: Variant is predicted to result in a truncated protein (premature termination codon is NOT located at least 54 nucleotides upstream of the final exon-exon junction) with less than 1/3 of the protein sequence affected; Variant is present in gnomAD <0.01 for a recessive condition (v4: 37 heterozygote(s), 0 homozygote(s)); This variant has strong previous evidence of pathogenicity in unrelated individuals. This variant has been classified as pathogenic/likely pathogenic by many clinical laboratories in ClinVar. Additional information: This variant is heterozygous; This gene is associated with autosomal recessive disease; Loss of function is a known mechanism of disease in this gene and is associated with acid sphingomyelinase deficiency (MONDO:0100464); Heterozygous variant detected in trans with a second LIKELY PATHOGENIC heterozygous variant (NM_000543.5(SMPD1):c.894_902del; p.(Thr300_Thr302del)) in a recessive disease.

3billion
Classification: Pathogenic for SMPD1-related disorder. Last evaluated: 2025-11-06. Review status: criteria provided, single submitter. Criteria: ACMG Guidelines, 2015. Collection method: clinical testing. Allele origin: germline. Affected: yes.
Comment: The variant is observed at an extremely low frequency in the gnomAD v4.1.0 dataset (total allele frequency: 0.002%). Predicted Consequence/Location: Stop-gained (nonsense): predicted to result in a loss or disruption of normal protein function through protein truncation. The predicted truncated protein may be shortened by more than 10%. The variant has been reported to be in trans with a pathogenic variant as either compound heterozygous or homozygous in at least one similarly affected unrelated individual (PMID: 22796693, 23188845, 27338287). The variant has been reported at least twice as pathogenic with clinical assertions and evidence for the classification (ClinVar ID: VCV000093318 /PMID: 22796693 /3billion dataset). Therefore, this variant is classified as Pathogenic according to the recommendation of ACMG/AMP guideline.

Natera, Inc.
Classification: Pathogenic for Niemann-Pick Disease, Types A/B. Last evaluated: 2025-10-09. Review status: criteria provided, single submitter. Criteria: Natera Variant Classification Schema (03/2026). Collection method: clinical testing. Allele origin: germline.
Comment: The c.1624C>T variant in SMPD1 is a nonsense variant predicted to introduce a stop codon at amino acid 542. This variant is expected to result in nonsense mediated decay, truncation, or a dysfunctional protein product. This variant is rare in the general population with a frequency below the threshold expected for the associated phenotype(s). This variant has been observed in one or more individuals affected with the associated recessive disease, as either homozygous or compound heterozygous with a second variant (PMID: 37597066, 23188845). Given the available evidence, this variant is classified as Pathogenic.

Revvity Omics, Revvity
Classification: Pathogenic. Last evaluated: 2025-07-26. Review status: criteria provided, single submitter. Criteria: ACMG Guidelines, 2015. Collection method: clinical testing. Allele origin: germline.

Genetics and Genomic Medicine Centre, NeuroGen Healthcare, NeuroGen Healthcare
Classification: Pathogenic for Niemann-Pick disease, type A. Last evaluated: 2024-05-05. Review status: criteria provided, single submitter. Criteria: ACMG Guidelines, 2015. Collection method: clinical testing. Allele origin: unknown. Affected: yes.

Foundation for Research in Genetics and Endocrinology, FRIGE's Institute of Human Genetics
Classification: Pathogenic for Niemann-Pick disease, type A. Last evaluated: 2023-10-27. Review status: criteria provided, single submitter. Criteria: ACMG Guidelines, 2015. Collection method: clinical testing. Allele origin: germline. Inheritance: Autosomal recessive inheritance. Affected: yes. Observed: 1 homozygote.
Comment: A homozygous variation in exon 6 of the SMPD1 gene that results in a premature truncation of the protein at codon 542 was detected. The observed variant c.1624C>T(p.Arg542Ter) has not been reported in the 1000 genomes and has a MAF of 0.006% in gnomAD database. The in silico prediction of the variant is disease causing by DANN and MutationTaster. In summary, the variant meets our criteria to be classified as pathogenic.

Neuberg Centre For Genomic Medicine, NCGM
Classification: Pathogenic for Niemann-Pick disease, type A. Last evaluated: 2023-06-02. Review status: criteria provided, single submitter. Criteria: ACMG Guidelines, 2015. Collection method: clinical testing. Allele origin: germline. Inheritance: Autosomal recessive inheritance. Affected: yes.
Comment: The observed stop gained variant c.1624C>T(p.Arg542Ter) in the SMPD1 gene has been reported previously in multiple individuals affected with Niemann-Pick disease. In this study the p. (Arg542*) (c.1624C>T) mutation was the most commonly identified mutation, found in 22% (26 out of 120) of the alleles tested, but haplotype analysis for this mutation did not identify a founder effect for the Indian population (Ranganath P, et al., 2016). Though this variant is present in the last exon, there are other pathogenic variants reported beyond this position in the ClinVar database. This variant is reported with the allele frequency 0.01% in the gnomAD Exomes. It is submitted to ClinVar as Pathogenic/Likely pathogenic. Computational evidence (MutationTaster - Disease causing) predicts damaging effect on protein structure and function for this variant. This variant is predicted to cause loss of normal protein function either through protein truncation or nonsense-mediated mRNA decay. Loss of function variants have been previously reported to be disease causing. For these reasons, this variant has been classified as Pathogenic.

GeneDx
Classification: Pathogenic. Last evaluated: 2022-01-31. Review status: criteria provided, single submitter. Criteria: GeneDx Variant Classification Process June 2021. Collection method: clinical testing. Allele origin: germline. Affected: yes.
Comment: Nonsense variant in the C-terminus predicted to result in protein truncation, as the last 90 amino acids are lost, and other loss-of-function variants have been reported downstream in HGMD; This variant is associated with the following publications: (PMID: 33083013, 32860008, 27338287, 31139477, 22796693, 23188845, 33675270, 35534800)